The following is an entry in ClinVar:

NM_004380.3(CREBBP):c.5837dup (p.Pro1947fs)

Gene: CREBBP (CREB binding lysine acetyltransferase; minus strand). Cytogenetic location: 16p13.3.
Variant type: Duplication.
Coding change: c.5837dup on transcript NM_004380.3 (MANE Select); coding-DNA position 5837, one base duplicated (C; older notation c.5837dupC).
Protein change: p.Pro1947fs; shifts the reading frame from proline 1947.
Molecular consequence: frameshift variant.
Genome position (GRCh38, 1-based): chr16:3,729,210, G duplicated on the plus strand (C on the coding strand, the reverse complement: CREBBP is on the minus strand); the first of 7 consecutive G bases (chr16:3,729,210-3,729,216); duplicating any one gives the same sequence. VCF-style (leftmost placement, unchanged base first): chr16-3729209-T-TG. GRCh37 (hg19) VCF-style: chr16-3779210-T-TG.
Other names: c.5723dup, p.Pro1909fs (NM_001079846.1); c.5837dupC (NM_004380.2); short protein forms P1909fs, P1947fs.
Identifiers: ClinVar variation 210783 (VCV000210783.13), dbSNP rs587783507, ClinGen allele CA277424.

ClinVar aggregate classification (germline): Pathogenic/Likely pathogenic. Review status: criteria provided, multiple submitters, no conflicts (2 of 4 stars). 10 submissions from 10 submitters: Pathogenic (8); Likely pathogenic (1). 1 of the submissions does not count toward it. Last evaluated 2025-09-24.

Conditions:
CREBBP-related disorder. Also called: CREBBP-related condition; CREBBP-related disorders.
Rubinstein-Taybi syndrome due to CREBBP mutations (RSTS1). Also called: CREBBP-Related Rubinstein-Taybi Syndrome; RUBINSTEIN SYNDROME; RUBINSTEIN-TAYBI SYNDROME 1, INCOMPLETE; BROAD THUMB-HALLUX SYNDROME; Rubinstein-Taybi syndrome 1; BROAD THUMBS AND GREAT TOES, CHARACTERISTIC FACIES, AND IMPAIRED INTELLECTUAL DEVELOPMENT. Identifiers: Orphanet 353277, Orphanet 783, MedGen C4551859, MONDO:0008393, OMIM 180849.

Submissions (10):

Genesolutions, Medical Genetics Institutes, Ho Chi Minh City, Vietnam
Classification: Pathogenic for Rubinstein-Taybi syndrome due to CREBBP mutations. Last evaluated: 2025-09-24. Review status: criteria provided, single submitter. Criteria: ACMG Guidelines, 2015. Collection method: clinical testing. Allele origin: germline. Affected: yes.

GeneDx
Classification: Pathogenic. Last evaluated: 2025-06-11. Review status: criteria provided, single submitter. Criteria: GeneDx Variant Classification Process June 2021. Collection method: clinical testing. Allele origin: germline. Affected: yes.
Comment: Frameshift variant predicted to result in abnormal protein length as the last 496 amino acid(s) are replaced with 18 different amino acid(s), and other similar variants have been reported in HGMD.; Not observed at significant frequency in large population cohorts (gnomAD); This variant is associated with the following publications: (PMID: 27342041, 32827181, 29637745, 35595280, 37938362, 31637876, 37426933, 32005694, 36937962, 25388907)

PreventionGenetics, part of Exact Sciences
Classification: Pathogenic for CREBBP-related condition. Last evaluated: 2024-10-14. Review status: criteria provided, single submitter. Criteria: ACMG Guidelines, 2015. Collection method: clinical testing. Allele origin: germline.
Comment: The CREBBP c.5837dupC variant is predicted to result in a frameshift and premature protein termination (p.Pro1947Thrfs*19). This variant has been reported in multiple individuals with Rubinstein-Taybi syndrome, including several patients where it was was confirmed to have arisen de novo (Spena et al. 2015. PubMed ID: 25388907; Rokunohe et al. 2016. PubMed ID: 27342041; Table S2, Dong et al. 2020. PubMed ID: 32005694; Yang et al. 2023. PubMed ID: 36937962). This variant is located in the final coding exon of the CREBBP gene, and the resulting mRNA is not expected to undergo nonsense mediated decay; however, multiple protein-truncating variants downstream of this position have been reported as disease-causing in public databases (HGMD, ClinVar). This variant is reported in 0.034% of alleles in individuals of European (Finnish) descent in gnomAD; however, the quality of this data is questionable and should be treated with caution. Frameshift variants in CREBBP are expected to be pathogenic. This variant is interpreted as pathogenic.

Institute of Medical Genetics and Applied Genomics, University Hospital Tübingen
Classification: Pathogenic for Rubinstein-Taybi syndrome due to CREBBP mutations. Last evaluated: 2024-08-05. Review status: criteria provided, single submitter. Criteria: ACMG Guidelines, 2015. Collection method: clinical testing. Allele origin: germline. Inheritance: Autosomal dominant inheritance. Affected: yes.

Institute of Immunology and Genetics Kaiserslautern
Classification: Pathogenic for Rubinstein-Taybi syndrome due to CREBBP mutations. Last evaluated: 2024-02-01. Review status: criteria provided, single submitter. Criteria: ACMG Guidelines, 2015. Collection method: clinical testing. Allele origin: de novo. Affected: yes.
Comment: ACMG Criteria: PP5, PM2, PS2, PVS1; Variant was found in heterozygous state

Blueprint Genetics
Classification: Pathogenic for CREBBP-related disorders. Last evaluated: 2019-07-04. Review status: criteria provided, single submitter. Criteria: ACMG Guidelines, 2015. Collection method: clinical testing. Allele origin: de novo. Affected: yes. Observed: 1 variant allele.

Genetic Services Laboratory, University of Chicago
Classification: Pathogenic for Rubinstein-Taybi syndrome. Last evaluated: 2013-02-08. Review status: criteria provided, single submitter. Criteria: ACMG Guidelines, 2007. Collection method: clinical testing. Allele origin: germline. Affected: yes.

Institute of Human Genetics, Clinical Exome/Genome Diagnostics Group, University Hospital Bonn
Classification: Likely pathogenic for Rubinstein-Taybi syndrome due to CREBBP mutations. Review status: criteria provided, single submitter. Criteria: ACMG Guidelines, 2015. Collection method: clinical testing. Allele origin: germline. Affected: yes.

Rady Children's Institute for Genomic Medicine, Rady Children's Hospital San Diego
Classification: Pathogenic for CREBBP-Related Disorders. Review status: criteria provided, single submitter. Criteria: ACMG Guidelines, 2015. Collection method: clinical testing. Allele origin: germline. Affected: yes. Study: CSER-NYCKidSeq.
Comment: This frameshift variant is found in the last exon of CREBBP and it is therefore predicted to escape nonsense-mediated mRNA decay (NMD). However, frameshift variants located downstream of this variant have been reported as disease-causing variants in the literature (PMID: 25388907, 32827181). This variant has been previously reported as a heterozygous change in patients with Rubinstein-Taybi syndrome (PMID: 25388907, 27342041, 32827181). The frequency data for this variant in the population databases is considered unreliable, as metrics indicate insufficient coverage at this position in the gnomAD database. Analysis of the parental samples was negative for the variant, indicating this variant likely occurred as a de novo event. Based on the available evidence, the c.5837dup (p.Pro1947ThrfsTer19) variant is classified as Pathogenic.

Wessex Regional Genetics Laboratory, Salisbury District Hospital
Classification: Pathogenic for Rubinstein-Taybi syndrome due to CREBBP mutations. Last evaluated: 2019-11-05. Review status: no assertion criteria provided. Criteria: ACMG Guidelines, 2015. Collection method: clinical testing. Allele origin: unknown. Inheritance: Autosomal dominant inheritance. Affected: yes. Not counted in ClinVar's aggregate classification.